The following is an entry in ClinVar:

ClinVar aggregate classification (germline): Conflicting classifications of pathogenicity. Review status: criteria provided, conflicting classifications (1 of 4 stars). 12 submissions from 12 submitters: Pathogenic (3); Likely pathogenic (6); Uncertain significance (3). Last evaluated 2026-06-08.

Conditions:
LPL-related disorder. Also called: LPL-related condition.
Cardiovascular phenotype. Identifiers: MedGen CN230736.
Hyperlipoproteinemia, type I. Also called: Hyperlipoproteinemia type 1; Hyperchylomicro-nemia familial; Familial chylomicronemia; Hyperlipemia idiopathic Burger-Grutz type; Familial hyperlipo-proteinemia type 1; Hyperlipemia essential familial. Identifiers: Orphanet 309015, Orphanet 444490, MedGen C0023817, MONDO:0009387, OMIM 238600. Disease mechanism: loss of function.
Hyperlipidemia, familial combined, LPL related (FCHL3). Also called: Hyperapobetalipoproteinemia. Identifiers: MedGen C0020474, MONDO:0007759, OMIM 144250, HP:0008158.

Allele frequency attached by ClinVar (database versions not stated): gnomAD exomes 0.00003 and 0.00005; ExAC 0.00005; ESP Exome Variant Server 0.00015; 1000 Genomes Project 30x 0.00016; 1000 Genomes Project 0.00020; TOPMed 0.00023; gnomAD 0.00024 and 0.00025.

Submissions (12):

Women's Health and Genetics/Laboratory Corporation of America, LabCorp
Classification: Likely pathogenic for Hyperlipoproteinemia, type I. Last evaluated: 2026-06-08. Review status: criteria provided, single submitter. Criteria: LabCorp Variant Classification Summary - May 2015. Collection method: clinical testing. Allele origin: germline.
Comment: Variant summary: LPL c.998G>A (p.Arg333His) results in a non-conservative amino acid change located in the Lipase domain (IPR013818) of the encoded protein sequence. Algorithms developed to predict the effect of missense changes on protein structure and function all suggest that this variant is likely to be disruptive. The variant allele was found at a frequency of 4.8e-05 in 251294 control chromosomes. This frequency is not significantly higher than estimated for disease-causing variants in LPL, allowing no conclusion about variant significance. c.998G>A has been observed in the presumed compound heterozygous or homozygous states in at least 2 individual(s) affected with LPL-related conditions (Martin-Campos_2014, Rabacchi_2015, Bashir_2025, Szczesniak_2025, Mendes_2024). These data indicate that the variant may be associated with disease. At least one publication reports experimental evidence evaluating an impact on protein function (Martin-Campos_2014). The most pronounced variant effect results in <10% of normal lipoprotein lipase enzyme activity in vitro. The following publications have been ascertained in the context of this evaluation (PMID: 25966443, 27055971, 24291057, 40919303, 38933898, 40741268). ClinVar contains an entry for this variant (Variation ID: 632073). Based on the evidence outlined above, the variant was classified as likely pathogenic.

PreventionGenetics, part of Exact Sciences
Classification: Likely pathogenic for LPL-related condition. Last evaluated: 2026-05-08. Review status: criteria provided, single submitter. Criteria: ACMG Guidelines, 2015. Collection method: clinical testing. Allele origin: germline.
Comment: The LPL c.998G>A variant is predicted to result in the amino acid substitution p.Arg333His. This variant, also described as p.Arg306His using legacy nomenclature, has been reported in the heterozygous state in multiple individuals with severe hypertriglyceridemia (See for example, Rabacchi et al. 2015. PubMed ID: 2596644; Mendes et al. 2024. PubMed ID: 38933898; Szczęśniak et al. 2025. PubMed ID: 40741268). This variant has also been reported in the compound heterozygous state in individuals with chylomicronemia (Martín-Campos et al. 2014. PubMed ID: 24291057; Gant et al. 2025. DOI 10.1016/j.jacl.2025.04.043). In vitro experimental studies in transfected COS cells found that this variant leads to greatly reduced enzymatic activity (~6%) relative to wild type controls (Martín-Campos et al. 2014. PubMed ID: 24291057). This variant is reported in 0.064% of alleles in individuals of African descent in gnomAD and has conflicting interpretations in ClinVar ranging from uncertain to pathogenic (Variation ID: 632073). This variant is interpreted as likely pathogenic.

Natera, Inc.
Classification: Likely pathogenic for Lipoprotein lipase deficiency. Last evaluated: 2026-01-12. Review status: criteria provided, single submitter. Criteria: Natera Variant Classification Schema (03/2026). Collection method: clinical testing. Allele origin: germline.
Comment: The c.998G>A variant in LPL is a missense variant predicted to cause substitution of arginine to histidine at amino acid 333. This variant is rare in the general population with a frequency below the threshold expected for the associated phenotype(s). This variant has been observed in one or more individuals affected with the associated recessive disease, as either homozygous or compound heterozygous with a second variant (PMID: 24291057). Functional studies show that this variant may disrupt protein function (PMID: 24291057). Computational prediction algorithms indicate this variant is likely to affect gene or protein function. Given the available evidence, this variant is classified as Likely Pathogenic.

GeneDx
Classification: Pathogenic. Last evaluated: 2025-03-18. Review status: criteria provided, single submitter. Criteria: GeneDx Variant Classification Process June 2021. Collection method: clinical testing. Allele origin: germline. Affected: yes.
Comment: Published functional studies demonstrate a damaging effect with decreased enzyme activity (PMID: 24291057); In silico analysis supports that this missense variant has a deleterious effect on protein structure/function; This variant is associated with the following publications: (PMID: 27055971, 28606150, 34324844, 25966443, 24291057, 36325899)

Ambry Genetics
Classification: Uncertain significance for Cardiovascular phenotype. Last evaluated: 2025-02-26. Review status: criteria provided, single submitter. Criteria: Ambry Variant Classification Scheme 2023. Collection method: clinical testing. Allele origin: germline.
Comment: The p.R333H variant (also known as c.998G>A), located in coding exon 6 of the LPL gene, results from a G to A substitution at nucleotide position 998. The arginine at codon 333 is replaced by histidine, an amino acid with highly similar properties. This variant has been identified in the homozygous state and/or in conjunction with other LPL variant(s) in individual(s) with features consistent with familial chylomicronemia syndrome (FCS) (Mart&iacute;n-Campos JM et al. Clin Chim Acta, 2014 Feb;429:61-8). This alteration has also been reported in individuals with severe hypertriglyceridemia with no additional pathogenic alteration in LPL identified (Rabacchi C et al. Atherosclerosis, 2015 Jul;241:79-86; Retterst&oslash;l K et al. Lipids Health Dis, 2017 Jun;16:115; Mendes C et al. Mol Genet Metab Rep. 2024 Sep;40:101100). Additionally, this alteration may impact LPL catalytic activity (Mart&iacute;n-Campos JM et al. Clin Chim Acta, 2014 Feb;429:61-8). This amino acid position is highly conserved in available vertebrate species. In addition, this alteration is predicted to be deleterious by in silico analysis. Based on the available evidence, the clinical significance of this variant remains unclear.

Fulgent Genetics
Classification: Likely pathogenic for Hyperlipidemia, familial combined, LPL related; Hyperlipoproteinemia, type I. Last evaluated: 2024-04-10. Review status: criteria provided, single submitter. Criteria: ACMG Guidelines, 2015. Collection method: clinical testing. Allele origin: germline.

Mayo Clinic Laboratories, Mayo Clinic
Classification: Likely pathogenic. Last evaluated: 2023-08-17. Review status: criteria provided, single submitter. Criteria: ACMG Guidelines, 2015. Collection method: clinical testing. Allele origin: germline. Observed: 1 variant allele.
Comment: PP3, PM2, PM3_supporting, PS3

Blueprint Genetics
Classification: Likely pathogenic for LPL-related disorders. Last evaluated: 2023-06-15. Review status: criteria provided, single submitter. Criteria: ACMG Guidelines, 2015. Collection method: clinical testing. Allele origin: germline. Affected: yes. Observed: 3 variant alleles.

Baylor Genetics
Classification: Pathogenic for Hyperlipoproteinemia, type I. Last evaluated: 2023-05-19. Review status: criteria provided, single submitter. Criteria: ACMG Guidelines, 2015. Collection method: clinical testing. Allele origin: unknown.

Mendelics
Classification: Pathogenic for Hyperlipidemia, familial combined, LPL related. Last evaluated: 2022-05-04. Review status: criteria provided, single submitter. Criteria: Mendelics Assertion Criteria 2019. Collection method: clinical testing. Allele origin: germline.

AiLife Diagnostics
Classification: Uncertain significance. Last evaluated: 2022-03-24. Review status: criteria provided, single submitter. Criteria: ACMG Guidelines, 2015. Collection method: clinical testing. Allele origin: germline. Affected: yes. Observed: 2 variant alleles.

Labcorp Genetics (formerly Invitae), Labcorp
Classification: Uncertain significance. Last evaluated: 2021-09-17. Review status: criteria provided, single submitter. Criteria: Invitae Variant Classification Sherloc (09022015). Collection method: clinical testing. Allele origin: germline.
Comment: This sequence change replaces arginine with histidine at codon 333 of the LPL protein (p.Arg333His). The arginine residue is highly conserved and there is a small physicochemical difference between arginine and histidine. This variant is present in population databases (rs144466625, ExAC 0.05%). This variant has been observed in individual(s) with chylomichronemia and/or hypertriglyceridemia (PMID: 24291057, 25966443). ClinVar contains an entry for this variant (Variation ID: 632073). Algorithms developed to predict the effect of missense changes on protein structure and function (SIFT, PolyPhen-2, Align-GVGD) all suggest that this variant is likely to be tolerated. Experimental studies have shown that this variant affects LPL protein function (PMID: 24291057). In summary, the available evidence is currently insufficient to determine the role of this variant in disease. Therefore, it has been classified as a Variant of Uncertain Significance.

Literature cited by the submitters: PubMed 25966443 (cited by 4 submitters); PubMed 27055971 (cited by 3 submitters); PubMed 24291057 (cited by 6 submitters); PubMed 38933898 (cited by Women's Health and Genetics/Laboratory Corporation of America, LabCorp and Ambry Genetics); PubMed 40919303 (cited by Women's Health and Genetics/Laboratory Corporation of America, LabCorp); PubMed 40741268 (cited by Women's Health and Genetics/Laboratory Corporation of America, LabCorp); PubMed 28606150 (cited by Ambry Genetics and Mayo Clinic Laboratories, Mayo Clinic).

NM_000237.3(LPL):c.998G>A (p.Arg333His)

Gene: LPL (lipoprotein lipase; plus strand). Cytogenetic location: 8p21.3.
Variant type: single nucleotide variant.
Coding change: c.998G>A on transcript NM_000237.3 (MANE Select); coding-DNA position 998, G replaced by A.
Protein change: p.Arg333His; replaces arginine 333 with histidine.
Molecular consequence: missense variant.
Genome position (GRCh38, 1-based): chr8:19,956,063, G>A. VCF-style: chr8-19956063-G-A. GRCh37 (hg19) VCF-style: chr8-19813574-G-A.
Other names: p.Arg333His; short protein forms R333H.
Identifiers: ClinVar variation 632073 (VCV000632073.27), dbSNP rs144466625, ClinGen allele CA4655568.